The following is an entry in ClinVar:

NM_000186.4(CFH):c.898C>T (p.Pro300Ser)

Gene: CFH (complement factor H; plus strand). Cytogenetic location: 1q31.3.
Variant type: single nucleotide variant.
Coding change: c.898C>T on transcript NM_000186.4 (MANE Select); coding-DNA position 898, C replaced by T.
Protein change: p.Pro300Ser; replaces proline 300 with serine.
Molecular consequence: missense variant.
Genome position (GRCh38, 1-based): chr1:196,685,171, C>T. VCF-style: chr1-196685171-C-T. GRCh37 (hg19) VCF-style: chr1-196654301-C-T.
Other names: c.898C>T, p.Pro300Ser (NM_001014975.3); short protein forms P300S.
Identifiers: ClinVar variation 3609539 (VCV003609539.2).

ClinVar aggregate classification (germline): Uncertain significance (1 of 4 stars; one submission).

Submission:

Labcorp Genetics (formerly Invitae), Labcorp
Classification: Uncertain significance. Last evaluated: 2024-04-29. Review status: criteria provided, single submitter. Criteria: Invitae Variant Classification Sherloc (09022015). Collection method: clinical testing. Allele origin: germline.
Comment: This sequence change replaces proline, which is neutral and non-polar, with serine, which is neutral and polar, at codon 300 of the CFH protein (p.Pro300Ser). This variant is not present in population databases (gnomAD no frequency). This variant has not been reported in the literature in individuals affected with CFH-related conditions. An algorithm developed to predict the effect of missense changes on protein structure and function (PolyPhen-2) suggests that this variant is likely to be disruptive. In summary, the available evidence is currently insufficient to determine the role of this variant in disease. Therefore, it has been classified as a Variant of Uncertain Significance.